The following is an entry in ClinVar:

NM_020987.5(ANK3):c.11144A>T (p.Asp3715Val)

Gene: ANK3 (ankyrin 3; minus strand). Cytogenetic location: 10q21.2.
Variant type: single nucleotide variant.
Coding change: c.11144A>T on transcript NM_020987.5 (MANE Select); coding-DNA position 11144, A replaced by T.
Protein change: p.Asp3715Val; replaces aspartic acid 3715 with valine.
Molecular consequence: missense variant. On other transcripts: intron variant (4).
Genome position (GRCh38, 1-based): chr10:60,069,737, T>A on the plus strand (A>T on the coding strand, the complement: ANK3 is on the minus strand). VCF-style: chr10-60069737-T-A. GRCh37 (hg19) VCF-style: chr10-61829495-T-A.
Other names: c.4388-1728A>T (NM_001204403.2); c.4409-1728A>T (NM_001204404.2); c.4406-1728A>T (NM_001320874.2); c.1808-1728A>T (NM_001149.4); short protein forms D3715V.
Identifiers: ClinVar variation 4686258 (VCV004686258.1).
Genomic context (GRCh38, chr10:60,069,737, plus strand): 5'-TTCTTCATGGTCATGGTGGATGCAGAAATTCCCATTTTTATAGGCGTGCGCAACTTGGGG[T>A]CAACTTTAGAGGTGTTAGTGGCTGCTGCTGATTTCTCCAGGGAGCCACTACTGGATGTGC-3'
Protein context (NP_066267.2, residues 3705-3725): SAAATNTSKV[Asp3715Val]PKLRTPIKMG

ClinVar aggregate classification (germline): Uncertain significance (1 of 4 stars; one submission).

Submission:

GeneDx
Classification: Uncertain significance. Last evaluated: 2025-07-14. Review status: criteria provided, single submitter. Criteria: GeneDx Variant Classification Process June 2021. Collection method: clinical testing. Allele origin: germline. Affected: yes.
Comment: Not observed at significant frequency in large population cohorts (gnomAD); In silico analysis supports that this missense variant has a deleterious effect on protein structure/function; Has not been previously published as pathogenic or benign to our knowledge